The following is an entry in ClinVar:

ClinVar aggregate classification (germline): Benign (1 of 4 stars; one submission).

Conditions:
Leigh syndrome (NULS). Also called: Leigh's necrotizing encephalopathy; Leigh's disease; Leigh Syndrome (mtDNA deletion); Leigh Disease; Subacute necrotizing encephalopathy; Necrotizing encephalopathy infantile subacute of Leigh. Identifiers: Orphanet 506, MedGen C2931891, MONDO:0009723, OMIM 256000.

Submission:

Wong Mito Lab, Molecular and Human Genetics, Baylor College of Medicine
Classification: Benign for Leigh syndrome. Last evaluated: 2019-10-17. Review status: criteria provided, single submitter. Criteria: Modified ACMG Guidelines (Unpublished). Collection method: clinical testing. Allele origin: germline.
Comment: The NC_012920.1:m.8653A>G (YP_003024031.1:p.Ile43Val) variant in MTATP6 gene is interpretated to be a Benign variant based on the modified ACMG guidelines (unpublished). This variant meets the following evidence codes: BS1, BS2, BP4

NC_012920.1(MT-ATP6):m.8653A>G

Gene: MT-ATP6 (mitochondrially encoded ATP synthase 6; plus strand).
Variant type: single nucleotide variant.
Genome position: chrM-8653-A-G.
Identifiers: ClinVar variation 692941 (VCV000692941.1), dbSNP rs1603221669, ClinGen allele CA414797193.